The following is an entry in ClinVar:

ClinVar aggregate classification (germline): Uncertain significance (1 of 4 stars; one submission).

Conditions:
Cardiovascular phenotype. Identifiers: MedGen CN230736.

Allele frequency attached by ClinVar (database versions not stated): gnomAD exomes below 0.00001; TOPMed below 0.00001.
gnomAD v4.1: 2 of 1,614,190 alleles (0.00012%); highest among the groups gnomAD compares: Non-Finnish European, 0.00017%; no homozygotes.

Submission:

Ambry Genetics
Classification: Uncertain significance for Cardiovascular phenotype. Last evaluated: 2022-04-29. Review status: criteria provided, single submitter. Criteria: Ambry Variant Classification Scheme 2023. Collection method: clinical testing. Allele origin: germline.
Comment: The p.E23K variant (also known as c.67G>A), located in coding exon 1 of the MYPN gene, results from a G to A substitution at nucleotide position 67. The glutamic acid at codon 23 is replaced by lysine, an amino acid with similar properties. This amino acid position is conserved. In addition, this alteration is predicted to be deleterious by in silico analysis. Since supporting evidence is limited at this time, the clinical significance of this alteration remains unclear.

NM_032578.4(MYPN):c.67G>A (p.Glu23Lys)

Gene: MYPN (myopalladin; plus strand). Cytogenetic location: 10q21.3.
Variant type: single nucleotide variant.
Coding change: c.67G>A on transcript NM_032578.4 (MANE Select); coding-DNA position 67, G replaced by A.
Protein change: p.Glu23Lys; replaces glutamic acid 23 with lysine.
Molecular consequence: missense variant. On other transcripts: 5 prime UTR variant (1), non-coding transcript variant (1).
Genome position (GRCh38, 1-based): chr10:68,121,505, G>A. VCF-style: chr10-68121505-G-A. GRCh37 (hg19) VCF-style: chr10-69881262-G-A.
Other names: c.67G>A, p.Glu23Lys (NM_001256267.2); c.-1056G>A (NM_001256268.2); short protein forms E23K.
Identifiers: ClinVar variation 1755511 (VCV001755511.2), dbSNP rs2042240739, ClinGen allele CA377103540.